The following is an entry in ClinVar:

NM_024570.4(RNASEH2B):c.245-2A>G

Gene: RNASEH2B (ribonuclease H2 subunit B; plus strand). Cytogenetic location: 13q14.3.
Variant type: single nucleotide variant.
Coding change: c.245-2A>G on transcript NM_024570.4 (MANE Select); the canonical splice acceptor site of the intron before coding-DNA position 245, A replaced by G.
Molecular consequence: splice acceptor variant.
Genome position (GRCh38, 1-based): chr13:50,930,681, A>G. VCF-style: chr13-50930681-A-G. GRCh37 (hg19) VCF-style: chr13-51504817-A-G.
Other names: c.245-2A>G (NM_001142279.2, NM_001411023.1).
Identifiers: ClinVar variation 2840120 (VCV002840120.3), dbSNP rs2541498472, ClinGen allele CA388258916.

ClinVar aggregate classification (germline): Likely pathogenic (1 of 4 stars; one submission).

Conditions:
Aicardi-Goutieres syndrome 2. Identifiers: Orphanet 51, MedGen C3489724, MONDO:0012429, OMIM 610181.

Submission:

Labcorp Genetics (formerly Invitae), Labcorp
Classification: Likely pathogenic for Aicardi-Goutieres syndrome 2. Last evaluated: 2023-03-01. Review status: criteria provided, single submitter. Criteria: Invitae Variant Classification Sherloc (09022015). Collection method: clinical testing. Allele origin: germline.
Comment: In summary, the currently available evidence indicates that the variant is pathogenic, but additional data are needed to prove that conclusively. Therefore, this variant has been classified as Likely Pathogenic. Algorithms developed to predict the effect of sequence changes on RNA splicing suggest that this variant may disrupt the consensus splice site. This variant has not been reported in the literature in individuals affected with RNASEH2B-related conditions. This variant is not present in population databases (gnomAD no frequency). This sequence change affects an acceptor splice site in intron 3 of the RNASEH2B gene. It is expected to disrupt RNA splicing. Variants that disrupt the donor or acceptor splice site typically lead to a loss of protein function (PMID: 16199547), and loss-of-function variants in RNASEH2B are known to be pathogenic (PMID: 17846997).

Literature cited by the submitters: PubMed 16199547; PubMed 17846997.